The following is an entry in ClinVar:

NM_000152.5(GAA):c.1927G>T (p.Gly643Trp)

Gene: GAA (alpha glucosidase; plus strand). Cytogenetic location: 17q25.3.
Variant type: single nucleotide variant.
Coding change: c.1927G>T on transcript NM_000152.5 (MANE Select); coding-DNA position 1927, G replaced by T.
Protein change: p.Gly643Trp; replaces glycine 643 with tryptophan.
Molecular consequence: missense variant.
Genome position (GRCh38, 1-based): chr17:80,112,914, G>T. VCF-style: chr17-80112914-G-T. GRCh37 (hg19) VCF-style: chr17-78086713-G-T.
Other names: c.1927G>T, p.Gly643Trp (NM_001079804.3, NM_001079803.3); short protein forms G643W.
Identifiers: ClinVar variation 950119 (VCV000950119.11), dbSNP rs28937909, ClinGen allele CA294896832.

ClinVar aggregate classification (germline): Likely pathogenic. Review status: criteria provided, multiple submitters, no conflicts (2 of 4 stars). 2 submissions from 2 submitters: Likely pathogenic (2). Last evaluated 2026-07-01.

Conditions:
Glycogen storage disease, type II (IOPD). Also called: CARDIOMEGALIA GLYCOGENICA DIFFUSA; Glycogen storage disease type 2; Acid maltase deficiency disease; Aglucosidase alfa; Deficiency of alpha-glucosidase; Deficiency of lysosomal alpha-glucosidase. Identifiers: Orphanet 365, MedGen C0017921, MONDO:0009290, OMIM 232300.

gnomAD v4.1: 2 of 1,610,542 alleles (0.00012%); highest among the groups gnomAD compares: East Asian, 0.0022%; no homozygotes.

Submissions (2):

Genomenon, Inc
Classification: Likely pathogenic for Glycogen storage disease, type II. Last evaluated: 2026-07-01. Review status: criteria provided, single submitter. Criteria: Genomenon Sequence Variant Interpretation Standards - Updated. Collection method: curation. Allele origin: germline. Affected: yes.
Comment: GAA p.Gly643Trp (c.1927G>T) is a missense variant that changes the amino acid at codon 643 from Glycine to Tryptophan. This variant has been observed in at least one proband with a GAA-related disorder in the compound heterozygous and/or homozygous state (PMID:34072668). The presence of pathogenic/likely pathogenic missense variant(s) at the same amino acid position indicates that this residue is likely important for protein function. It is absent or not present at a significant frequency in gnomAD. In silico models predict that this variant is possibly or probably damaging. In conclusion, we classify GAA p.Gly643Trp (c.1927G>T) as a likely pathogenic variant.

Labcorp Genetics (formerly Invitae), Labcorp
Classification: Likely pathogenic for Glycogen storage disease, type II. Last evaluated: 2022-11-29. Review status: criteria provided, single submitter. Criteria: Invitae Variant Classification Sherloc (09022015). Collection method: clinical testing. Allele origin: germline.
Comment: This variant disrupts the p.Gly643 amino acid residue in GAA. Other variant(s) that disrupt this residue have been determined to be pathogenic (PMID: 8401535, 18607768, 24158270). This suggests that this residue is clinically significant, and that variants that disrupt this residue are likely to be disease-causing. In summary, the currently available evidence indicates that the variant is pathogenic, but additional data are needed to prove that conclusively. Therefore, this variant has been classified as Likely Pathogenic. Advanced modeling of protein sequence and biophysical properties (such as structural, functional, and spatial information, amino acid conservation, physicochemical variation, residue mobility, and thermodynamic stability) performed at Invitae indicates that this missense variant is expected to disrupt GAA protein function. This sequence change replaces glycine, which is neutral and non-polar, with tryptophan, which is neutral and slightly polar, at codon 643 of the GAA protein (p.Gly643Trp). This variant is not present in population databases (gnomAD no frequency). This variant has not been reported in the literature in individuals affected with GAA-related conditions. ClinVar contains an entry for this variant (Variation ID: 950119).

Literature cited by the submitters: PubMed 34072668 (cited by Genomenon, Inc); PubMed 8401535 (cited by Labcorp Genetics (formerly Invitae), Labcorp); PubMed 18607768 (cited by Labcorp Genetics (formerly Invitae), Labcorp); PubMed 24158270 (cited by Labcorp Genetics (formerly Invitae), Labcorp).